The following is an entry in ClinVar:

NM_000717.5(CA4):c.391G>T (p.Asp131Tyr)

Gene: CA4 (carbonic anhydrase 4; plus strand). Cytogenetic location: 17q23.1.
Variant type: single nucleotide variant.
Coding change: c.391G>T on transcript NM_000717.5 (MANE Select); coding-DNA position 391, G replaced by T.
Protein change: p.Asp131Tyr; replaces aspartic acid 131 with tyrosine.
Molecular consequence: missense variant. On other transcripts: non-coding transcript variant (1).
Genome position (GRCh38, 1-based): chr17:60,157,549, G>T. VCF-style: chr17-60157549-G-T. GRCh37 (hg19) VCF-style: chr17-58234910-G-T.
Other names: short protein forms D131Y.
Identifiers: ClinVar variation 955104 (VCV000955104.9), dbSNP rs370640952, ClinGen allele CA8685321.

ClinVar aggregate classification (germline): Uncertain significance (1 of 4 stars; one submission).

Allele frequency attached by ClinVar (database versions not stated): ESP Exome Variant Server 0.00008.
gnomAD v4.1: 24 of 1,614,190 alleles (0.0015%); highest among the groups gnomAD compares: Non-Finnish European, 0.002%; no homozygotes.

Submission:

Labcorp Genetics (formerly Invitae), Labcorp
Classification: Uncertain significance. Last evaluated: 2023-07-20. Review status: criteria provided, single submitter. Criteria: Invitae Variant Classification Sherloc (09022015). Collection method: clinical testing. Allele origin: germline.
Comment: This sequence change replaces aspartic acid, which is acidic and polar, with tyrosine, which is neutral and polar, at codon 131 of the CA4 protein (p.Asp131Tyr). This variant is present in population databases (rs370640952, gnomAD 0.0009%). This variant has not been reported in the literature in individuals affected with CA4-related conditions. ClinVar contains an entry for this variant (Variation ID: 955104). Advanced modeling of protein sequence and biophysical properties (such as structural, functional, and spatial information, amino acid conservation, physicochemical variation, residue mobility, and thermodynamic stability) performed at Invitae indicates that this missense variant is expected to disrupt CA4 protein function. In summary, the available evidence is currently insufficient to determine the role of this variant in disease. Therefore, it has been classified as a Variant of Uncertain Significance.